The following is an entry in ClinVar:

ClinVar aggregate classification (germline): Benign/Likely benign. Review status: criteria provided, multiple submitters, no conflicts (2 of 4 stars). 6 submissions from 6 submitters: Benign (1); Likely benign (5). Last evaluated 2025-11-25.

Conditions:
Hereditary cancer-predisposing syndrome. Also called: Hereditary neoplastic syndrome; Neoplastic Syndromes, Hereditary; Tumor predisposition; Hereditary Cancer Syndrome. Identifiers: Orphanet 140162, MedGen C0027672, MeSH D009386, MONDO:0015356.
Classic or attenuated familial adenomatous polyposis. Identifiers: MedGen CN372698, MONDO:0021057.
Familial adenomatous polyposis 1 (FAP1). Also called: FAMILIAL ADENOMATOUS POLYPOSIS 1, ATTENUATED; POLYPOSIS, ADENOMATOUS INTESTINAL. Identifiers: MedGen C2713442, MONDO:0021056, OMIM 175100. Disease mechanism: loss of function.

Allele frequency attached by ClinVar (database versions not stated): gnomAD exomes below 0.00001; ExAC 0.00001; TOPMed 0.00002; gnomAD 0.00003.
gnomAD v4.1: 10 of 1,613,910 alleles (0.00062%); highest among the groups gnomAD compares: Admixed American, 0.0017%; no homozygotes.

Submissions (6):

Labcorp Genetics (formerly Invitae), Labcorp
Classification: Likely benign for Familial adenomatous polyposis 1. Last evaluated: 2025-11-25. Review status: criteria provided, single submitter. Criteria: Invitae Variant Classification Sherloc (09022015). Collection method: clinical testing. Allele origin: germline.

Myriad Genetics, Inc.
Classification: Benign for Familial adenomatous polyposis 1. Last evaluated: 2024-04-02. Review status: criteria provided, single submitter. Criteria: Myriad Autosomal Dominant, Autosomal Recessive and X-Linked Classification Criteria (2023). Collection method: clinical testing. Allele origin: unknown.
Comment: This variant is considered benign. This variant is a silent/synonymous amino acid change and it is not expected to impact splicing.

All of Us Research Program, National Institutes of Health
Classification: Likely benign for Classic or attenuated familial adenomatous polyposis. Last evaluated: 2023-08-15. Review status: criteria provided, single submitter. Criteria: ACMG Guidelines, 2015. Collection method: clinical testing. Allele origin: germline. Inheritance: Autosomal dominant inheritance. Observed: 2 variant alleles, 2 heterozygotes.
Comment: This study involves interpretation of variants in research participants for the purpose of population health screening. Participant phenotype was not available at the time of variant classification. Additional details can be found in publication PMID: 35346344, PMCID: PMC8962531

Color Diagnostics, LLC DBA Color Health
Classification: Likely benign for Hereditary cancer-predisposing syndrome. Last evaluated: 2017-11-26. Review status: criteria provided, single submitter. Criteria: ACMG Guidelines, 2015. Collection method: clinical testing. Allele origin: germline.

GeneDx
Classification: Likely benign. Last evaluated: 2016-09-22. Review status: criteria provided, single submitter. Criteria: GeneDx Variant Classification (06012015). Collection method: clinical testing. Allele origin: germline. Affected: yes.
Comment: This variant is considered likely benign or benign based on one or more of the following criteria: it is a conservative change, it occurs at a poorly conserved position in the protein, it is predicted to be benign by multiple in silico algorithms, and/or has population frequency not consistent with disease.

Ambry Genetics
Classification: Likely benign for Hereditary cancer-predisposing syndrome. Last evaluated: 2014-08-08. Review status: criteria provided, single submitter. Criteria: Ambry Variant Classification Scheme 2023. Collection method: clinical testing. Allele origin: germline.

NM_000038.6(APC):c.5715A>G (p.Gln1905=)

Gene: APC (APC regulator of Wnt signaling pathway; plus strand). Cytogenetic location: 5q22.2.
Variant type: single nucleotide variant.
Coding change: c.5715A>G on transcript NM_000038.6 (MANE Select); coding-DNA position 5715, A replaced by G.
Protein change: p.Gln1905=; no amino-acid change (glutamine 1905 retained).
Molecular consequence: synonymous variant.
Genome position (GRCh38, 1-based): chr5:112,841,309, A>G. VCF-style: chr5-112841309-A-G. GRCh37 (hg19) VCF-style: chr5-112177006-A-G.
Other names: c.5715A>G, p.Gln1905= (NM_001127510.3, NM_001354895.2); c.5661A>G, p.Gln1887= (NM_001127511.3); c.5769A>G, p.Gln1923= (NM_001354896.2); c.5745A>G, p.Gln1915= (NM_001354897.2); c.5640A>G, p.Gln1880= (NM_001354898.2); c.5631A>G, p.Gln1877= (NM_001354899.2); c.5592A>G, p.Gln1864= (NM_001354900.2); c.5538A>G, p.Gln1846= (NM_001354901.2); and 5 more.
Identifiers: ClinVar variation 185869 (VCV000185869.21), dbSNP rs779869418, ClinGen allele CA010612.
Genomic context (GRCh38, chr5:112,841,309, plus strand): 5'-AGAAAATAAGGAATCAGAGGCTAAAGTTACCAGCCACACAGAACTAACCTCCAACCAACA[A>G]TCAGCTAATAAGACACAAGCTATTGCAAAGCAGCCAATAAATCGAGGTCAGCCTAAACCC-3'
Protein context (NP_000029.2, residues 1895-1915): TSHTELTSNQ[Gln1905=]SANKTQAIAK